The following is an entry in ClinVar:

ClinVar aggregate classification (germline): Likely pathogenic. Review status: criteria provided, multiple submitters, no conflicts (2 of 4 stars). 2 submissions from 2 submitters: Likely pathogenic (2). Last evaluated 2025-12-05.

Conditions:
Neuronopathy, distal hereditary motor, autosomal recessive 7. Also called: NEUROPATHY, HEREDITARY MOTOR, WITH MYOPATHIC FEATURES; NEUROPATHY, DISTAL HEREDITARY MOTOR, AUTOSOMAL RECESSIVE 7. Identifiers: MedGen C5543119, MONDO:0030977, OMIM 619216.

Submissions (2):

Ambry Genetics
Classification: Likely pathogenic. Last evaluated: 2025-12-05. Review status: criteria provided, single submitter. Criteria: Ambry Variant Classification Scheme 2023. Collection method: clinical testing. Allele origin: germline.
Comment: The c.1127_1128insA (p.Q377Afs*68) alteration, located in exon 3 (coding exon 3) of the VWA1 gene, consists of an insertion of A at position 1127, causing a translational frameshift with a predicted alternate stop codon after 68 amino acids. This variant is not expected to trigger nonsense-mediated mRNA decay and impacts the last 19% of the protein. Premature stop codons are typically deleterious in nature and the impacted region is critical for protein function (Ambry internal data). The Genome Aggregation Database (gnomAD) data for this variant is unreliable due to technical and/or biological issues; therefore, population frequency estimates were not considered. Based on internal structural analysis, this variant is anticipated to disrupt a region of known function (Fitzgerald, 2020; Deschauer, 2021; Allen, 2006). Based on the available evidence, this alteration is classified as likely pathogenic.

3billion
Classification: Likely pathogenic for Neuronopathy, distal hereditary motor, autosomal recessive 7. Last evaluated: 2025-04-17. Review status: criteria provided, single submitter. Criteria: ACMG Guidelines, 2015. Collection method: clinical testing. Allele origin: germline. Affected: yes.

Literature cited by the submitters: PubMed 16407285 (cited by Ambry Genetics); PubMed 30768857 (cited by Ambry Genetics); PubMed 33459760 (cited by Ambry Genetics).

NM_022834.5(VWA1):c.1127_1128insA (p.Gln377fs)

Gene: VWA1 (von Willebrand factor A domain containing 1; plus strand). Cytogenetic location: 1p36.33.
Variant type: Insertion.
Coding change: c.1127_1128insA on transcript NM_022834.5 (MANE Select); coding-DNA positions 1127 to 1128, A inserted.
Protein change: p.Gln377fs; shifts the reading frame from glutamine 377.
Molecular consequence: frameshift variant. On other transcripts: 3 prime UTR variant (1).
Genome position: GRCh38 VCF-style: chr1-1439576-C-CA. GRCh37 (hg19) VCF-style: chr1-1374956-C-CA.
Other names: c.1127_1128insA (NM_022834.4); c.*537_*538insA (NM_199121.3); short protein forms Q377fs.
Identifiers: ClinVar variation 4294047 (VCV004294047.2).